The following is an entry in ClinVar:

ClinVar aggregate classification (germline): Uncertain significance. Review status: criteria provided, multiple submitters, no conflicts (2 of 4 stars). 2 submissions from 2 submitters: Uncertain significance (2). Last evaluated 2022-07-14.

Conditions:
Inborn genetic diseases. Identifiers: MedGen C0950123, MeSH D030342.

Allele frequency attached by ClinVar (database versions not stated): gnomAD 0.00001; gnomAD exomes 0.00001; ExAC 0.00004; TOPMed below 0.00001; 1000 Genomes Project 30x 0.00016; 1000 Genomes Project 0.00020.
gnomAD v4.1: 16 of 1,612,278 alleles (0.00099%); highest among the groups gnomAD compares: East Asian, 0.016%; no homozygotes.

Submissions (2):

Ambry Genetics
Classification: Uncertain significance for Inborn genetic diseases. Last evaluated: 2022-07-14. Review status: criteria provided, single submitter. Criteria: Ambry Variant Classification Scheme 2023. Collection method: clinical testing. Allele origin: germline.

Labcorp Genetics (formerly Invitae), Labcorp
Classification: Uncertain significance. Last evaluated: 2022-01-16. Review status: criteria provided, single submitter. Criteria: Invitae Variant Classification Sherloc (09022015). Collection method: clinical testing. Allele origin: germline.
Comment: This sequence change replaces leucine, which is neutral and non-polar, with isoleucine, which is neutral and non-polar, at codon 839 of the ITGA6 protein (p.Leu839Ile). This variant is present in population databases (rs374581804, gnomAD 0.03%). This variant has not been reported in the literature in individuals affected with ITGA6-related conditions. Algorithms developed to predict the effect of missense changes on protein structure and function (SIFT, PolyPhen-2, Align-GVGD) all suggest that this variant is likely to be tolerated. In summary, the available evidence is currently insufficient to determine the role of this variant in disease. Therefore, it has been classified as a Variant of Uncertain Significance.

NM_000210.4(ITGA6):c.2515T>A (p.Leu839Ile)

Genes: ITGA6 (integrin subunit alpha 6; plus strand), PDK1-AS1 (PDK1 and ITGA6 antisense RNA 1; minus strand). Cytogenetic location: 2q31.1.
Variant type: single nucleotide variant.
Coding change: c.2515T>A on transcript NM_000210.4 (MANE Select); coding-DNA position 2515, T replaced by A.
Protein change: p.Leu839Ile; replaces leucine 839 with isoleucine.
Molecular consequence: missense variant.
Genome position (GRCh38, 1-based): chr2:172,489,494, T>A. VCF-style: chr2-172489494-T-A. GRCh37 (hg19) VCF-style: chr2-173354222-T-A.
Other names: c.2158T>A, p.Leu720Ile (NM_001316306.2); c.2515T>A, p.Leu839Ile (NM_001365529.2, NM_001365530.2, NM_001079818.3); c.2632T>A, p.Leu878Ile (NM_001394928.1); short protein forms L720I, L839I, L878I.
Identifiers: ClinVar variation 2082879 (VCV002082879.2), dbSNP rs374581804, ClinGen allele CA1968425.
Genomic context (GRCh38, chr2:172,489,494, plus strand): 5'-AATTTACATTGAGAAGATTAGACTGAGATAATATGTATTATTTTCTAACAGGTAATAAAC[T>A]TAGGTAAACCTCTTACAAACCTCGGCACAGCAACCTTGAACATTCAGTGGCCAAAAGAAA-3'
Protein context (NP_000201.2, residues 829-849): LIEYEFRVIN[Leu839Ile]GKPLTNLGTA